The following is an entry in ClinVar:

NM_021076.4(NEFH):c.1409T>C (p.Val470Ala)

Gene: NEFH (neurofilament heavy chain; plus strand). Cytogenetic location: 22q12.2.
Variant type: single nucleotide variant.
Coding change: c.1409T>C on transcript NM_021076.4 (MANE Select); coding-DNA position 1409, T replaced by C.
Protein change: p.Val470Ala; replaces valine 470 with alanine.
Molecular consequence: missense variant.
Genome position (GRCh38, 1-based): chr22:29,489,049, T>C. VCF-style: chr22-29489049-T-C. GRCh37 (hg19) VCF-style: chr22-29885038-T-C.
Other names: short protein forms V470A.
Identifiers: ClinVar variation 1921067 (VCV001921067.5), dbSNP rs1216189985, ClinGen allele CA411129844.

ClinVar aggregate classification (germline): Uncertain significance (1 of 4 stars; one submission).

Allele frequency attached by ClinVar (database versions not stated): gnomAD 0.00001; gnomAD exomes 0.00001; TOPMed 0.00001.

Submission:

Labcorp Genetics (formerly Invitae), Labcorp
Classification: Uncertain significance. Last evaluated: 2022-05-25. Review status: criteria provided, single submitter. Criteria: Invitae Variant Classification Sherloc (09022015). Collection method: clinical testing. Allele origin: germline.
Comment: In summary, the available evidence is currently insufficient to determine the role of this variant in disease. Therefore, it has been classified as a Variant of Uncertain Significance. Advanced modeling of protein sequence and biophysical properties (such as structural, functional, and spatial information, amino acid conservation, physicochemical variation, residue mobility, and thermodynamic stability) performed at Invitae indicates that this missense variant is not expected to disrupt NEFH protein function. This variant has not been reported in the literature in individuals affected with NEFH-related conditions. This variant is not present in population databases (gnomAD no frequency). This sequence change replaces valine, which is neutral and non-polar, with alanine, which is neutral and non-polar, at codon 470 of the NEFH protein (p.Val470Ala).